The following is an entry in ClinVar:

NM_030958.3(SLCO5A1):c.89C>T (p.Pro30Leu)

Gene: SLCO5A1 (solute carrier organic anion transporter family member 5A1; minus strand). Cytogenetic location: 8q13.3.
Variant type: single nucleotide variant.
Coding change: c.89C>T on transcript NM_030958.3 (MANE Select); coding-DNA position 89, C replaced by T.
Protein change: p.Pro30Leu; replaces proline 30 with leucine.
Molecular consequence: missense variant.
Genome position (GRCh38, 1-based): chr8:69,832,585, G>A on the plus strand (C>T on the coding strand, the complement: SLCO5A1 is on the minus strand). VCF-style: chr8-69832585-G-A. GRCh37 (hg19) VCF-style: chr8-70744820-G-A.
Other names: c.89C>T, p.Pro30Leu (NM_001146008.2, NM_001146009.1); short protein forms P30L.
Identifiers: ClinVar variation 2986814 (VCV002986814.3), dbSNP rs765120222, ClinGen allele CA371268388.

ClinVar aggregate classification (germline): Uncertain significance (1 of 4 stars; one submission).

gnomAD v4.1: 15 of 1,612,858 alleles (0.00093%); highest among the groups gnomAD compares: Non-Finnish European, 0.0013%; no homozygotes.

Submission:

Labcorp Genetics (formerly Invitae), Labcorp
Classification: Uncertain significance. Last evaluated: 2023-10-05. Review status: criteria provided, single submitter. Criteria: Invitae Variant Classification Sherloc (09022015). Collection method: clinical testing. Allele origin: germline.
Comment: This sequence change replaces proline, which is neutral and non-polar, with leucine, which is neutral and non-polar, at codon 30 of the SLCO5A1 protein (p.Pro30Leu). This variant is not present in population databases (gnomAD no frequency). This variant has not been reported in the literature in individuals affected with SLCO5A1-related conditions. Algorithms developed to predict the effect of missense changes on protein structure and function output the following: SIFT: "Not Available"; PolyPhen-2: "Benign"; Align-GVGD: "Not Available". The leucine amino acid residue is found in multiple mammalian species, which suggests that this missense change does not adversely affect protein function. In summary, the available evidence is currently insufficient to determine the role of this variant in disease. Therefore, it has been classified as a Variant of Uncertain Significance.